The following is an entry in ClinVar:

NM_006790.3(MYOT):c.1294A>T (p.Thr432Ser)

Genes: MYOT (myotilin; plus strand), PKD2L2-DT (PKD2L2 divergent transcript; minus strand). Cytogenetic location: 5q31.2.
Variant type: single nucleotide variant.
Coding change: c.1294A>T on transcript NM_006790.3 (MANE Select); coding-DNA position 1294, A replaced by T.
Protein change: p.Thr432Ser; replaces threonine 432 with serine.
Molecular consequence: missense variant.
Genome position (GRCh38, 1-based): chr5:137,886,967, A>T. VCF-style: chr5-137886967-A-T. GRCh37 (hg19) VCF-style: chr5-137222656-A-T.
Other names: c.742A>T, p.Thr248Ser (NM_001135940.2); c.949A>T, p.Thr317Ser (NM_001300911.2); short protein forms T317S, T248S, T432S.
Identifiers: ClinVar variation 2152659 (VCV002152659.9), dbSNP rs200619317, ClinGen allele CA128108082.

ClinVar aggregate classification (germline): Uncertain significance. Review status: criteria provided, multiple submitters, no conflicts (2 of 4 stars). 4 submissions from 4 submitters: Uncertain significance (4). Last evaluated 2023-10-30.

Conditions:
Myofibrillar myopathy 3 (MFM3). Also called: Muscular dystrophy, proximal, type 1A; Autosomal dominant spheroid body myopathy. Identifiers: Orphanet 266, Orphanet 268129, MedGen C3714934, MONDO:0012215, OMIM 609200.

Allele frequency attached by ClinVar (database versions not stated): gnomAD 0.00001; TOPMed 0.00001; gnomAD exomes 0.00002.
gnomAD v4.1: 23 of 1,613,504 alleles (0.0014%); highest among the groups gnomAD compares: Non-Finnish European, 0.0019%; no homozygotes.

Submissions (4):

Labcorp Genetics (formerly Invitae), Labcorp
Classification: Uncertain significance for Myofibrillar myopathy 3. Last evaluated: 2023-10-30. Review status: criteria provided, single submitter. Criteria: Invitae Variant Classification Sherloc (09022015). Collection method: clinical testing. Allele origin: germline.
Comment: This sequence change replaces threonine, which is neutral and polar, with serine, which is neutral and polar, at codon 432 of the MYOT protein (p.Thr432Ser). This variant is present in population databases (rs200619317, gnomAD 0.003%). This variant has not been reported in the literature in individuals affected with MYOT-related conditions. ClinVar contains an entry for this variant (Variation ID: 2152659). An algorithm developed to predict the effect of missense changes on protein structure and function (PolyPhen-2) suggests that this variant is likely to be tolerated. In summary, the available evidence is currently insufficient to determine the role of this variant in disease. Therefore, it has been classified as a Variant of Uncertain Significance.

Women's Health and Genetics/Laboratory Corporation of America, LabCorp
Classification: Uncertain significance. Last evaluated: 2023-06-26. Review status: criteria provided, single submitter. Criteria: LabCorp Variant Classification Summary - May 2015. Collection method: clinical testing. Allele origin: germline.
Comment: Variant summary: MYOT c.1294A>T (p.Thr432Ser) results in a conservative amino acid change located in the Immunoglobulin subtype domain (IPR003599) of the encoded protein sequence. Five of five in-silico tools predict a benign effect of the variant on protein function. The variant allele was found at a frequency of 1.2e-05 (i.e., 3 heterozygotes) in 251394 control chromosomes (gnomAD v2.1, Exomes dataset). The available data on variant occurrences in the general population are insufficient to allow any conclusion about variant significance. To our knowledge, no occurrence of c.1294A>T in individuals affected with Spheroid Body Myopathy and no experimental evidence demonstrating its impact on protein function have been reported. Three submitters have reported clinical-significance assessments for this variant to ClinVar after 2014. All submitters classified the variant as uncertain significance. Based on the evidence outlined above, the variant was classified as uncertain significance.

GeneDx
Classification: Uncertain significance. Last evaluated: 2022-08-30. Review status: criteria provided, single submitter. Criteria: GeneDx Variant Classification Process June 2021. Collection method: clinical testing. Allele origin: germline. Affected: yes.
Comment: Not observed at significant frequency in large population cohorts (gnomAD); Missense variants in this gene are often considered pathogenic (HGMD); In silico analysis supports that this missense variant does not alter protein structure/function; Has not been previously published as pathogenic or benign to our knowledge; This variant is associated with the following publications: (PMID: 22349301)

Revvity Omics, Revvity
Classification: Uncertain significance for Myofibrillar myopathy 3. Last evaluated: 2019-01-21. Review status: criteria provided, single submitter. Criteria: ACMG Guidelines, 2015. Collection method: clinical testing. Allele origin: germline.